The following is an entry in ClinVar:

ClinVar aggregate classification (germline): Uncertain significance. Review status: criteria provided, multiple submitters, no conflicts (2 of 4 stars). 4 submissions from 4 submitters: Uncertain significance (4). Last evaluated 2025-05-17.

Conditions:
Duchenne muscular dystrophy (DMD). Also called: MUSCULAR DYSTROPHY, PSEUDOHYPERTROPHIC PROGRESSIVE, DUCHENNE TYPE; Duchenne Muscular Dystrophy (DMD). Identifiers: Orphanet 98896, MedGen C0013264, MONDO:0010679, OMIM 310200.

gnomAD v4.1: 4 of 1,186,055 alleles (0.00034%); highest among the groups gnomAD compares: South Asian, 0.0018%; no homozygotes.

Submissions (4):

Labcorp Genetics (formerly Invitae), Labcorp
Classification: Uncertain significance for Duchenne muscular dystrophy. Last evaluated: 2025-05-17. Review status: criteria provided, single submitter. Criteria: Invitae Variant Classification Sherloc (09022015). Collection method: clinical testing. Allele origin: germline.
Comment: This sequence change replaces valine, which is neutral and non-polar, with alanine, which is neutral and non-polar, at codon 89 of the DMD protein (p.Val89Ala). This variant is not present in population databases (gnomAD no frequency). This variant has not been reported in the literature in individuals affected with DMD-related conditions. ClinVar contains an entry for this variant (Variation ID: 810560). An algorithm developed to predict the effect of missense changes on protein structure and function (PolyPhen-2) suggests that this variant is likely to be disruptive. In summary, the available evidence is currently insufficient to determine the role of this variant in disease. Therefore, it has been classified as a Variant of Uncertain Significance.

MGZ Medical Genetics Center
Classification: Uncertain significance for Duchenne muscular dystrophy. Last evaluated: 2022-08-11. Review status: criteria provided, single submitter. Criteria: ACMG Guidelines, 2015. Collection method: clinical testing. Allele origin: germline. Affected: yes. Observed: 3 variant alleles.
Comment: ACMG criteria applied: PM2_SUP, PP3

Mendelics
Classification: Uncertain significance. Last evaluated: 2022-05-04. Review status: criteria provided, single submitter. Criteria: Mendelics Assertion Criteria 2019. Collection method: clinical testing. Allele origin: germline.

CeGaT Center for Human Genetics Tuebingen
Classification: Uncertain significance. Last evaluated: 2018-12-01. Review status: criteria provided, single submitter. Criteria: CeGaT Center For Human Genetics Tuebingen Variant Classification Criteria Version 2. Collection method: clinical testing. Allele origin: germline. Affected: yes. Observed: 2 variant alleles.

NM_004006.3(DMD):c.266T>C (p.Val89Ala)

Gene: DMD (dystrophin; minus strand). Cytogenetic location: Xp21.1.
Variant type: single nucleotide variant.
Coding change: c.266T>C on transcript NM_004006.3 (MANE Select); coding-DNA position 266, T replaced by C.
Protein change: p.Val89Ala; replaces valine 89 with alanine.
Molecular consequence: missense variant. On other transcripts: 5 prime UTR variant (1).
Genome position (GRCh38, 1-based): chrX:32,823,386, A>G on the plus strand (T>C on the coding strand, the complement: DMD is on the minus strand). VCF-style: chrX-32823386-A-G. GRCh37 (hg19) VCF-style: chrX-32841503-A-G.
Other names: c.242T>C, p.Val81Ala (NM_000109.4); c.254T>C, p.Val85Ala (NM_004009.3); c.-104T>C (NM_004010.3); short protein forms V85A, V89A, V81A.
Identifiers: ClinVar variation 810560 (VCV000810560.47), dbSNP rs1557058441, ClinGen allele CA412674609.